The following is an entry in ClinVar:

NM_001348946.2(ABCB1):c.548A>G (p.Asn183Ser)

Gene: ABCB1 (ATP binding cassette subfamily B member 1; minus strand). Cytogenetic location: 7q21.12.
Variant type: single nucleotide variant.
Coding change: c.548A>G on transcript NM_001348946.2 (MANE Select); coding-DNA position 548, A replaced by G.
Protein change: p.Asn183Ser; replaces asparagine 183 with serine.
Molecular consequence: missense variant.
Genome position (GRCh38, 1-based): chr7:87,566,224, T>C on the plus strand (A>G on the coding strand, the complement: ABCB1 is on the minus strand). VCF-style: chr7-87566224-T-C. GRCh37 (hg19) VCF-style: chr7-87195540-T-C.
Other names: c.548A>G, p.Asn183Ser (NM_000927.5, NM_001348944.2); c.758A>G, p.Asn253Ser (NM_001348945.2); short protein forms N253S, N183S.
Identifiers: ClinVar variation 708203 (VCV000708203.4), dbSNP rs60419673, ClinGen allele CA4328556.

ClinVar aggregate classification (germline): Benign/Likely benign. Review status: criteria provided, multiple submitters, no conflicts (2 of 4 stars). 2 submissions from 2 submitters: Benign (1); Likely benign (1). Last evaluated 2025-06-23.

Conditions:
ABCB1-related disorder. Also called: ABCB1-related condition.

Allele frequency attached by ClinVar (database versions not stated): gnomAD 0.00123 and 0.00161; ESP Exome Variant Server 0.00131; TOPMed 0.00156; gnomAD exomes 0.00204 and 0.00278; 1000 Genomes Project 30x 0.00234; 1000 Genomes Project 0.00280; ExAC 0.00296.
gnomAD v4.1: 3,226 of 1,614,054 alleles (0.2%); highest among the groups gnomAD compares: South Asian, 1.3%; 24 homozygotes.

Submissions (2):

PreventionGenetics, part of Exact Sciences
Classification: Likely benign for ABCB1-related condition. Last evaluated: 2025-06-23. Review status: criteria provided, single submitter. Criteria: ACMG Guidelines, 2015. Collection method: clinical testing. Allele origin: germline.
Comment: This variant is classified as likely benign based on ACMG/AMP sequence variant interpretation guidelines (Richards et al. 2015 PMID: 25741868, with internal and published modifications).

Labcorp Genetics (formerly Invitae), Labcorp
Classification: Benign. Last evaluated: 2018-08-20. Review status: criteria provided, single submitter. Criteria: Invitae Variant Classification Sherloc (09022015). Collection method: clinical testing. Allele origin: germline.